The following is an entry in ClinVar:

ClinVar aggregate classification (germline): Uncertain significance (1 of 4 stars; one submission).

gnomAD v4.1: 4 of 1,614,148 alleles (0.00025%); highest among the groups gnomAD compares: Admixed American, 0.005%; no homozygotes.

Submission:

GeneDx
Classification: Uncertain significance. Last evaluated: 2025-06-24. Review status: criteria provided, single submitter. Criteria: GeneDx Variant Classification Process June 2021. Collection method: clinical testing. Allele origin: germline. Affected: yes.
Comment: In silico analysis supports that this missense variant has a deleterious effect on protein structure/function; Has not been previously published as pathogenic or benign to our knowledge

NM_003900.5(SQSTM1):c.1193T>G (p.Leu398Arg)

Gene: SQSTM1 (sequestosome 1; plus strand). Cytogenetic location: 5q35.3.
Variant type: single nucleotide variant.
Coding change: c.1193T>G on transcript NM_003900.5 (MANE Select); coding-DNA position 1193, T replaced by G.
Protein change: p.Leu398Arg; replaces leucine 398 with arginine.
Molecular consequence: missense variant.
Genome position (GRCh38, 1-based): chr5:179,836,463, T>G. VCF-style: chr5-179836463-T-G. GRCh37 (hg19) VCF-style: chr5-179263463-T-G.
Other names: c.941T>G, p.Leu314Arg (NM_001142298.2, NM_001142299.2); short protein forms L314R, L398R.
Identifiers: ClinVar variation 4540111 (VCV004540111.1).